The following is an entry in ClinVar:

ClinVar aggregate classification (germline): Uncertain significance. Review status: criteria provided, multiple submitters, no conflicts (2 of 4 stars). 2 submissions from 2 submitters: Uncertain significance (2). Last evaluated 2025-03-08.

Allele frequency attached by ClinVar (database versions not stated): gnomAD exomes below 0.00001 and 0.00001; TOPMed 0.00002; gnomAD 0.00005.
gnomAD v4.1: 4 of 1,209,817 alleles (0.00033%); highest among the groups gnomAD compares: Non-Finnish European, 0.00045%; no homozygotes.

Submissions (2):

Ambry Genetics
Classification: Uncertain significance. Last evaluated: 2025-03-08. Review status: criteria provided, single submitter. Criteria: Ambry Variant Classification Scheme 2023. Collection method: clinical testing. Allele origin: germline.

Labcorp Genetics (formerly Invitae), Labcorp
Classification: Uncertain significance. Last evaluated: 2024-07-15. Review status: criteria provided, single submitter. Criteria: Invitae Variant Classification Sherloc (09022015). Collection method: clinical testing. Allele origin: germline.
Comment: This sequence change replaces glycine, which is neutral and non-polar, with glutamic acid, which is acidic and polar, at codon 766 of the NEXMIF protein (p.Gly766Glu). This variant is present in population databases (no rsID available, gnomAD 0.002%). This variant has not been reported in the literature in individuals affected with NEXMIF-related conditions. ClinVar contains an entry for this variant (Variation ID: 474062). An algorithm developed to predict the effect of missense changes on protein structure and function outputs the following: PolyPhen-2: "Benign". The glutamic acid amino acid residue is found in multiple mammalian species, which suggests that this missense change does not adversely affect protein function. In summary, the available evidence is currently insufficient to determine the role of this variant in disease. Therefore, it has been classified as a Variant of Uncertain Significance.

NM_001008537.3(NEXMIF):c.2297G>A (p.Gly766Glu)

Gene: NEXMIF (neurite extension and migration factor; minus strand). Cytogenetic location: Xq13.3.
Variant type: single nucleotide variant.
Coding change: c.2297G>A on transcript NM_001008537.3 (MANE Select); coding-DNA position 2297, G replaced by A.
Protein change: p.Gly766Glu; replaces glycine 766 with glutamic acid.
Molecular consequence: missense variant.
Genome position (GRCh38, 1-based): chrX:74,742,260, C>T on the plus strand (G>A on the coding strand, the complement: NEXMIF is on the minus strand). VCF-style: chrX-74742260-C-T. GRCh37 (hg19) VCF-style: chrX-73962095-C-T.
Other names: short protein forms G766E.
Identifiers: ClinVar variation 474062 (VCV000474062.11), dbSNP rs1031348126, ClinGen allele CA331301758.